The following is an entry in ClinVar:

ClinVar aggregate classification (germline): Uncertain significance (1 of 4 stars; one submission).

Conditions:
Hereditary cancer-predisposing syndrome. Also called: Neoplastic Syndromes, Hereditary; Tumor predisposition; Hereditary Cancer Syndrome; Hereditary neoplastic syndrome. Identifiers: Orphanet 140162, MedGen C0027672, MeSH D009386, MONDO:0015356.

Submission:

Ambry Genetics
Classification: Uncertain significance for Hereditary cancer-predisposing syndrome. Last evaluated: 2025-07-20. Review status: criteria provided, single submitter. Criteria: Ambry Variant Classification Scheme 2023. Collection method: clinical testing. Allele origin: germline.
Comment: The p.R595S variant (also known as c.1785G>T), located in coding exon 6 of the AXIN2 gene, results from a G to T substitution at nucleotide position 1785. The arginine at codon 595 is replaced by serine, an amino acid with dissimilar properties. This amino acid position is conserved. In addition, this alteration is predicted to be tolerated by in silico analysis. Based on the available evidence, the clinical significance of this variant remains unclear.

NM_004655.4(AXIN2):c.1785G>T (p.Arg595Ser)

Gene: AXIN2 (axin 2; minus strand). Cytogenetic location: 17q24.1.
Variant type: single nucleotide variant.
Coding change: c.1785G>T on transcript NM_004655.4 (MANE Select); coding-DNA position 1785, G replaced by T.
Protein change: p.Arg595Ser; replaces arginine 595 with serine.
Molecular consequence: missense variant. On other transcripts: intron variant (1).
Genome position (GRCh38, 1-based): chr17:65,536,991, C>A on the plus strand (G>T on the coding strand, the complement: AXIN2 is on the minus strand). VCF-style: chr17-65536991-C-A. GRCh37 (hg19) VCF-style: chr17-63533109-C-A.
Other names: c.1712+333G>T (NM_001363813.1); short protein forms R595S.
Identifiers: ClinVar variation 4188242 (VCV004188242.1).
Genomic context (GRCh38, chr17:65,536,991, plus strand): 5'-CCTGTCTCCTTCCTCCCGGGGAAGCTGCAGGGCCCCAGCTCCGCCGGGGGCCCCTCCTTC[C>A]CTGGCGGGCAGGGCCAGGCCCGGCTCCGTGCCTTTCCCATTGCGTTTGGGCAAGGTACTG-3'
Protein context (NP_004646.3, residues 585-605): GTEPGLALPA[Arg595Ser]EGGAPGGAGA